The following is an entry in ClinVar:

ClinVar aggregate classification (germline): Uncertain significance. Review status: criteria provided, multiple submitters, no conflicts (2 of 4 stars). 2 submissions from 2 submitters: Uncertain significance (2). Last evaluated 2024-11-08.

Conditions:
Hereditary sensory and autonomic neuropathy with spastic paraplegia (HSNSP). Identifiers: Orphanet 139578, MedGen C1850395, MONDO:0009748, OMIM 256840.

Allele frequency attached by ClinVar (database versions not stated): ExAC 0.00004; ESP Exome Variant Server 0.00023; gnomAD 0.00034 and 0.00036; TOPMed 0.00044.
gnomAD v4.1: 116 of 1,613,816 alleles (0.0072%); highest among the groups gnomAD compares: African/African-American, 0.13%; 1 homozygote.

Submissions (2):

Ambry Genetics
Classification: Uncertain significance. Last evaluated: 2024-11-08. Review status: criteria provided, single submitter. Criteria: Ambry Variant Classification Scheme 2023. Collection method: clinical testing. Allele origin: germline.

Labcorp Genetics (formerly Invitae), Labcorp
Classification: Uncertain significance for Hereditary sensory and autonomic neuropathy with spastic paraplegia. Last evaluated: 2023-08-04. Review status: criteria provided, single submitter. Criteria: Invitae Variant Classification Sherloc (09022015). Collection method: clinical testing. Allele origin: germline.
Comment: Advanced modeling of protein sequence and biophysical properties (such as structural, functional, and spatial information, amino acid conservation, physicochemical variation, residue mobility, and thermodynamic stability) performed at Invitae indicates that this missense variant is not expected to disrupt CCT5 protein function. ClinVar contains an entry for this variant (Variation ID: 465409). This variant has not been reported in the literature in individuals affected with CCT5-related conditions. This variant is present in population databases (rs141509761, gnomAD 0.1%), and has an allele count higher than expected for a pathogenic variant. This sequence change replaces leucine, which is neutral and non-polar, with valine, which is neutral and non-polar, at codon 299 of the CCT5 protein (p.Leu299Val). In summary, the available evidence is currently insufficient to determine the role of this variant in disease. Therefore, it has been classified as a Variant of Uncertain Significance.

NM_012073.5(CCT5):c.895C>G (p.Leu299Val)

Gene: CCT5 (chaperonin containing TCP1 subunit 5; plus strand). Cytogenetic location: 5p15.2.
Variant type: single nucleotide variant.
Coding change: c.895C>G on transcript NM_012073.5 (MANE Select); coding-DNA position 895, C replaced by G.
Protein change: p.Leu299Val; replaces leucine 299 with valine.
Molecular consequence: missense variant.
Genome position (GRCh38, 1-based): chr5:10,260,813, C>G. VCF-style: chr5-10260813-C-G. GRCh37 (hg19) VCF-style: chr5-10260925-C-G.
Other names: c.832C>G, p.Leu278Val (NM_001306153.1); c.730C>G, p.Leu244Val (NM_001306154.2); c.616C>G, p.Leu206Val (NM_001306155.2); c.781C>G, p.Leu261Val (NM_001306156.2); short protein forms L299V, L244V, L261V, L278V, L206V.
Identifiers: ClinVar variation 465409 (VCV000465409.10), dbSNP rs141509761, ClinGen allele CA3198201.
Genomic context (GRCh38, chr5:10,260,813, plus strand): 5'-CACTTTCTCTTAATACGATTGTGGTGGTTCTTTTCCCAGATTAAAGAGACTGGTGCTAAC[C>G]TAGCAATTTGTCAGTGGGGCTTTGATGATGAAGCAAATCACTTACTTCTTCAGAACAACT-3'
Protein context (NP_036205.1, residues 289-309): IQQIKETGAN[Leu299Val]AICQWGFDDE